The following is an entry in ClinVar:

NM_007294.4(BRCA1):c.64T>G (p.Leu22Val)

Gene: BRCA1 (BRCA1 DNA repair associated; minus strand). Cytogenetic location: 17q21.31.
Variant type: single nucleotide variant.
Coding change: c.64T>G on transcript NM_007294.4 (MANE Select); coding-DNA position 64, T replaced by G.
Protein change: p.Leu22Val; replaces leucine 22 with valine.
Molecular consequence: missense variant. On other transcripts: 5 prime UTR variant (1), non-coding transcript variant (1).
Genome position (GRCh38, 1-based): chr17:43,124,033, A>C on the plus strand (T>G on the coding strand, the complement: BRCA1 is on the minus strand). VCF-style: chr17-43124033-A-C. GRCh37 (hg19) VCF-style: chr17-41276050-A-C.
Other names: c.-125T>G (NM_001407571.1, NM_001407853.1, NM_001407879.1 and 46 more transcripts); c.64T>G, p.Leu22Val (NM_001407581.1, NM_001407582.1, NM_001407583.1 and 193 more transcripts); c.-194T>G (NM_001407694.1, NM_001407724.1, NM_001407727.1 and 11 more transcripts); c.-198T>G (NM_001407695.1, NM_001408465.1); c.-339T>G (NM_001407696.1); c.-223T>G (NM_001407697.1, NM_001407846.1, NM_001407920.1); c.-24T>G (NM_001407698.1, NM_001407732.1, NM_001407736.1 and 23 more transcripts); c.-197T>G (NM_001407725.1, NM_001407730.1, NM_001407734.1 and 22 more transcripts); and 8 more; short protein forms L22V.
Identifiers: ClinVar variation 865056 (VCV000865056.3), dbSNP rs1597923402, ClinGen allele CA10602027.
Genomic context (GRCh38, chr17:43,124,033, plus strand): 5'-TAATCATAGGAATCCCAAATTAATACACTCTTGTGCTGACTTACCAGATGGGACACTCTA[A>C]GATTTTCTGCATAGCATTAATGACATTTTGTACTTCTTCAACGCGAAGAGCAGATAAATC-3'
Protein context (NP_009225.1, residues 12-32): QNVINAMQKI[Leu22Val]ECPICLELIK

Conditions:
Breast-ovarian cancer, familial, susceptibility to, 1 (BROVCA1). Also called: BRCA1 Hereditary Breast and Ovarian Cancer; OVARIAN CANCER, SUSCEPTIBILITY TO. Identifiers: Orphanet 145, MedGen C2676676, MONDO:0011450, OMIM 604370. Disease mechanism: loss of function.

Submission:

Brotman Baty Institute, University of Washington
No classification provided (evidence only). Condition: Breast-ovarian cancer, familial 1. Review status: no classification provided. Collection method: in vitro. Allele origin: not applicable. Functional consequence: functionally_normal.
ClinVar note: "not provided" was previously submitted as the classification for the variant. However, the classification appeared to be based only on an observation of functional data so it was converted to no classification on 2025-07-30.